The following is an entry in ClinVar:

NM_005630.3(SLCO2A1):c.1551G>A (p.Pro517=)

Gene: SLCO2A1 (solute carrier organic anion transporter family member 2A1; minus strand). Cytogenetic location: 3q22.1.
Variant type: single nucleotide variant.
Coding change: c.1551G>A on transcript NM_005630.3 (MANE Select); coding-DNA position 1551, G replaced by A.
Protein change: p.Pro517=; no amino-acid change (proline 517 retained).
Molecular consequence: synonymous variant.
Genome position (GRCh38, 1-based): chr3:133,942,679, C>T on the plus strand (G>A on the coding strand, the complement: SLCO2A1 is on the minus strand). VCF-style: chr3-133942679-C-T. GRCh37 (hg19) VCF-style: chr3-133661523-C-T.
Other names: c.1551G>A (NM_005630.2).
Identifiers: ClinVar variation 1654206 (VCV001654206.10), dbSNP rs376344584, ClinGen allele CA2626419.
Genomic context (GRCh38, chr3:133,942,679, plus strand): 5'-GTAGAGGGGGTTGTGGGAGATGCAGGCTATCAGGGACACGAAGGAGATGAGGAAGATGGC[C>T]GGGAGCAGGAAGTGGGCACAGGGGACAGGGCACGATCCTGTCTTTGCTGAAGCGGATCCC-3'
Protein context (NP_005621.2, residues 507-527): CPVPCAHFLL[Pro517=]AIFLISFVSL

ClinVar aggregate classification (germline): Likely benign. Review status: criteria provided, multiple submitters, no conflicts (2 of 4 stars). 3 submissions from 3 submitters: Likely benign (3). Last evaluated 2025-09-25.

Conditions:
SLCO2A1-related disorder. Also called: SLCO2A1-related condition.

Allele frequency attached by ClinVar (database versions not stated): gnomAD 0.00004 and 0.00005; ExAC 0.00005; TOPMed 0.00005; gnomAD exomes 0.00006.
gnomAD v4.1: 50 of 1,613,720 alleles (0.0031%); highest among the groups gnomAD compares: East Asian, 0.051%; 1 homozygote.

Submissions (3):

Labcorp Genetics (formerly Invitae), Labcorp
Classification: Likely benign. Last evaluated: 2025-09-25. Review status: criteria provided, single submitter. Criteria: Invitae Variant Classification Sherloc (09022015). Collection method: clinical testing. Allele origin: germline.

PreventionGenetics, part of Exact Sciences
Classification: Likely benign for SLCO2A1-related condition. Last evaluated: 2025-08-05. Review status: criteria provided, single submitter. Criteria: ACMG Guidelines, 2015. Collection method: clinical testing. Allele origin: germline.
Comment: This variant is classified as likely benign based on ACMG/AMP sequence variant interpretation guidelines (Richards et al. 2015 PMID: 25741868, with internal and published modifications).

Blueprint Genetics
Classification: Likely benign. Last evaluated: 2023-10-05. Review status: criteria provided, single submitter. Criteria: ACMG Guidelines, 2015. Collection method: clinical testing. Allele origin: germline.